The following is an entry in ClinVar:

NM_152703.5(SAMD9L):c.4128G>A (p.Met1376Ile)

Gene: SAMD9L (sterile alpha motif domain containing 9 like; minus strand). Cytogenetic location: 7q21.2.
Variant type: single nucleotide variant.
Coding change: c.4128G>A on transcript NM_152703.5 (MANE Select); coding-DNA position 4128, G replaced by A.
Protein change: p.Met1376Ile; replaces methionine 1376 with isoleucine.
Molecular consequence: missense variant.
Genome position (GRCh38, 1-based): chr7:93,131,844, C>T on the plus strand (G>A on the coding strand, the complement: SAMD9L is on the minus strand). VCF-style: chr7-93131844-C-T. GRCh37 (hg19) VCF-style: chr7-92761157-C-T.
Other names: c.4128G>A, p.Met1376Ile (NM_001303496.3, NM_001303497.3, NM_001303498.3 and 5 more transcripts); c.4128G>A (NM_152703.2); short protein forms M1376I.
Identifiers: ClinVar variation 1370580 (VCV001370580.9), dbSNP rs759536047, ClinGen allele CA4343356.

ClinVar aggregate classification (germline): Uncertain significance. Review status: criteria provided, multiple submitters, no conflicts (2 of 4 stars). 2 submissions from 2 submitters: Uncertain significance (2). Last evaluated 2025-11-18.

Conditions:
Inborn genetic diseases. Identifiers: MedGen C0950123, MeSH D030342.

Allele frequency attached by ClinVar (database versions not stated): gnomAD exomes below 0.00001 and 0.00002; ExAC 0.00001; gnomAD 0.00002; TOPMed 0.00002.

Submissions (2):

Labcorp Genetics (formerly Invitae), Labcorp
Classification: Uncertain significance. Last evaluated: 2025-11-18. Review status: criteria provided, single submitter. Criteria: Invitae Variant Classification Sherloc (09022015). Collection method: clinical testing. Allele origin: germline.
Comment: This sequence change replaces methionine, which is neutral and non-polar, with isoleucine, which is neutral and non-polar, at codon 1376 of the SAMD9L protein (p.Met1376Ile). This variant is present in population databases (rs759536047, gnomAD 0.004%). This variant has not been reported in the literature in individuals affected with SAMD9L-related conditions. ClinVar contains an entry for this variant (Variation ID: 1370580). Invitae Evidence Modeling of protein sequence and biophysical properties (such as structural, functional, and spatial information, amino acid conservation, physicochemical variation, residue mobility, and thermodynamic stability) indicates that this missense variant is not expected to disrupt SAMD9L protein function with a negative predictive value of 80%. In summary, the available evidence is currently insufficient to determine the role of this variant in disease. Therefore, it has been classified as a Variant of Uncertain Significance.

Ambry Genetics
Classification: Uncertain significance for Inborn genetic diseases. Last evaluated: 2025-05-23. Review status: criteria provided, single submitter. Criteria: Ambry Variant Classification Scheme 2023. Collection method: clinical testing. Allele origin: germline.